The following is an entry in ClinVar:

ClinVar aggregate classification (germline): Likely benign. Review status: criteria provided, multiple submitters, no conflicts (2 of 4 stars). 2 submissions from 2 submitters: Likely benign (2). Last evaluated 2025-08-01.

Allele frequency attached by ClinVar (database versions not stated): TOPMed 0.00200; ExAC 0.00048; ESP Exome Variant Server 0.00154; 1000 Genomes Project 30x 0.00156; 1000 Genomes Project 0.00160; gnomAD 0.00160.
gnomAD v4.1: 466 of 1,612,274 alleles (0.029%); highest among the groups gnomAD compares: African/African-American, 0.57%; 1 homozygote.

Submissions (2):

Ambry Genetics
Classification: Likely benign. Last evaluated: 2025-08-01. Review status: criteria provided, single submitter. Criteria: Ambry Variant Classification Scheme 2023. Collection method: clinical testing. Allele origin: germline.

CeGaT Center for Human Genetics Tuebingen
Classification: Likely benign. Last evaluated: 2023-12-01. Review status: criteria provided, single submitter. Criteria: CeGaT Center For Human Genetics Tuebingen Variant Classification Criteria Version 2. Collection method: clinical testing. Allele origin: germline. Affected: yes. Observed: 1 variant allele.
Comment: PARP4: BP4

NM_006437.4(PARP4):c.205G>A (p.Val69Ile)

Gene: PARP4 (poly(ADP-ribose) polymerase family member 4; minus strand). Cytogenetic location: 13q12.12.
Variant type: single nucleotide variant.
Coding change: c.205G>A on transcript NM_006437.4 (MANE Select); coding-DNA position 205, G replaced by A.
Protein change: p.Val69Ile; replaces valine 69 with isoleucine.
Molecular consequence: missense variant.
Genome position (GRCh38, 1-based): chr13:24,501,762, C>T on the plus strand (G>A on the coding strand, the complement: PARP4 is on the minus strand). VCF-style: chr13-24501762-C-T. GRCh37 (hg19) VCF-style: chr13-25075900-C-T.
Other names: c.205G>A (NM_006437.3); short protein forms V69I.
Identifiers: ClinVar variation 3025519 (VCV003025519.23), dbSNP rs145508195, ClinGen allele CA6916607.